The following is an entry in ClinVar:

ClinVar aggregate classification (germline): Benign/Likely benign. Review status: criteria provided, multiple submitters, no conflicts (2 of 4 stars). 5 submissions from 5 submitters: Benign (2); Likely benign (3). Last evaluated 2024-12-09.

Conditions:
Myoclonic epilepsy, juvenile, susceptibility to, 1. Also called: Myoclonic Epilepsy, Juvenile, 1; EJM1. Identifiers: MedGen C1850778, MONDO:0020752, OMIM 254770.
Absence seizure. Also called: Absence epilepsy. Identifiers: Orphanet 1941, MedGen C0014553.

Allele frequency attached by ClinVar (database versions not stated): gnomAD exomes 0.00048; ExAC 0.00054; gnomAD 0.00161 and 0.00170; TOPMed 0.00175; ESP Exome Variant Server 0.00208; 1000 Genomes Project 0.00280; 1000 Genomes Project 30x 0.00344.

Submissions (5):

Labcorp Genetics (formerly Invitae), Labcorp
Classification: Benign for Myoclonic epilepsy, juvenile, susceptibility to, 1; Absence seizure. Last evaluated: 2024-12-09. Review status: criteria provided, single submitter. Criteria: Invitae Variant Classification Sherloc (09022015). Collection method: clinical testing. Allele origin: germline.

Blueprint Genetics
Classification: Likely benign. Last evaluated: 2024-11-26. Review status: criteria provided, single submitter. Criteria: ACMG Guidelines, 2015. Collection method: clinical testing. Allele origin: germline.

Center for Pediatric Genomic Medicine, Children's Mercy Hospital and Clinics
Classification: Likely benign. Last evaluated: 2017-02-27. Review status: criteria provided, single submitter. Criteria: ACMG Guidelines, 2015. Collection method: clinical testing. Allele origin: germline.

GeneDx
Classification: Benign. Last evaluated: 2013-08-19. Review status: criteria provided, single submitter. Criteria: GeneDx Variant Classification (06012015). Collection method: clinical testing. Allele origin: germline. Affected: yes.
Comment: This variant is considered likely benign or benign based on one or more of the following criteria: it is a conservative change, it occurs at a poorly conserved position in the protein, it is predicted to be benign by multiple in silico algorithms, and/or has population frequency not consistent with disease.

Breakthrough Genomics
Classification: Likely benign. Review status: criteria provided, single submitter. Criteria: ACMG Guidelines, 2015. Collection method: not provided. Allele origin: germline. Inheritance: Autosomal dominant inheritance. Affected: yes.

NM_018100.4(EFHC1):c.1069G>A (p.Glu357Lys)

Gene: EFHC1 (EF-hand domain containing 1; plus strand). Cytogenetic location: 6p12.2.
Variant type: single nucleotide variant.
Coding change: c.1069G>A on transcript NM_018100.4 (MANE Select); coding-DNA position 1069, G replaced by A.
Protein change: p.Glu357Lys; replaces glutamic acid 357 with lysine.
Molecular consequence: missense variant. On other transcripts: non-coding transcript variant (1).
Genome position (GRCh38, 1-based): chr6:52,465,047, G>A. VCF-style: chr6-52465047-G-A. GRCh37 (hg19) VCF-style: chr6-52329845-G-A.
Other names: p.E357K:GAG>AAG; c.1012G>A, p.Glu338Lys (NM_001172420.2); short protein forms E357K, E338K.
Identifiers: ClinVar variation 137195 (VCV000137195.16), dbSNP rs505760, ClinGen allele CA290713.